The following is an entry in ClinVar:

ClinVar aggregate classification (germline): Uncertain significance. Review status: criteria provided, multiple submitters, no conflicts (2 of 4 stars). 2 submissions from 2 submitters: Uncertain significance (2). Last evaluated 2025-03-03.

Conditions:
Tuberous sclerosis 2 (TSC2). Identifiers: Orphanet 805, MedGen C1860707, MONDO:0013199, OMIM 613254.
Hereditary cancer-predisposing syndrome. Also called: Neoplastic Syndromes, Hereditary; Hereditary Cancer Syndrome; Tumor predisposition; Hereditary neoplastic syndrome. Identifiers: Orphanet 140162, MedGen C0027672, MeSH D009386, MONDO:0015356.

gnomAD v4.1: 3 of 1,613,088 alleles (0.00019%); highest among the groups gnomAD compares: South Asian, 0.0022%; no homozygotes.

Submissions (2):

Ambry Genetics
Classification: Uncertain significance for Hereditary cancer-predisposing syndrome. Last evaluated: 2025-03-03. Review status: criteria provided, single submitter. Criteria: Ambry Variant Classification Scheme 2023. Collection method: clinical testing. Allele origin: germline.
Comment: The p.A862G variant (also known as c.2585C>G), located in coding exon 22 of the TSC2 gene, results from a C to G substitution at nucleotide position 2585. The alanine at codon 862 is replaced by glycine, an amino acid with similar properties. This amino acid position is conserved. In addition, this alteration is predicted to be deleterious by in silico analysis. Based on the available evidence, the clinical significance of this variant remains unclear.

Labcorp Genetics (formerly Invitae), Labcorp
Classification: Uncertain significance for Tuberous sclerosis 2. Last evaluated: 2021-01-29. Review status: criteria provided, single submitter. Criteria: Invitae Variant Classification Sherloc (09022015). Collection method: clinical testing. Allele origin: germline.
Comment: This sequence change replaces alanine with glycine at codon 862 of the TSC2 protein (p.Ala862Gly). The alanine residue is highly conserved and there is a small physicochemical difference between alanine and glycine. This variant is not present in population databases (ExAC no frequency). This variant has not been reported in the literature in individuals with TSC2-related conditions. Advanced modeling of protein sequence and biophysical properties (such as structural, functional, and spatial information, amino acid conservation, physicochemical variation, residue mobility, and thermodynamic stability) performed at Invitae indicates that this missense variant is not expected to disrupt TSC2 protein function. In summary, the available evidence is currently insufficient to determine the role of this variant in disease. Therefore, it has been classified as a Variant of Uncertain Significance.

NM_000548.5(TSC2):c.2585C>G (p.Ala862Gly)

Gene: TSC2 (TSC complex subunit 2; plus strand). Cytogenetic location: 16p13.3.
Variant type: single nucleotide variant.
Coding change: c.2585C>G on transcript NM_000548.5 (MANE Select); coding-DNA position 2585, C replaced by G.
Protein change: p.Ala862Gly; replaces alanine 862 with glycine.
Molecular consequence: missense variant.
Genome position (GRCh38, 1-based): chr16:2,075,838, C>G. VCF-style: chr16-2075838-C-G. GRCh37 (hg19) VCF-style: chr16-2125839-C-G.
Other names: c.2585C>G, p.Ala862Gly (NM_001077183.3, NM_001114382.3, NM_001363528.2 and 3 more transcripts); c.2474C>G, p.Ala825Gly (NM_001318827.2); c.2438C>G, p.Ala813Gly (NM_001318829.2); c.1985C>G, p.Ala662Gly (NM_001318831.2); c.2618C>G, p.Ala873Gly (NM_001318832.2); c.2585C>G (NM_000548.3); short protein forms A813G, A862G, A662G, A825G, A873G.
Identifiers: ClinVar variation 1467118 (VCV001467118.9), dbSNP rs45517249, ClinGen allele CA394278380.